The following is an entry in ClinVar:

NM_000297.4(PKD2):c.1654G>C (p.Ala552Pro)

Gene: PKD2 (polycystin 2, transient receptor potential cation channel; plus strand). Cytogenetic location: 4q22.1.
Variant type: single nucleotide variant.
Coding change: c.1654G>C on transcript NM_000297.4 (MANE Select); coding-DNA position 1654, G replaced by C.
Protein change: p.Ala552Pro; replaces alanine 552 with proline.
Molecular consequence: missense variant. On other transcripts: non-coding transcript variant (1).
Genome position (GRCh38, 1-based): chr4:88,052,096, G>C. VCF-style: chr4-88052096-G-C. GRCh37 (hg19) VCF-style: chr4-88973248-G-C.
Other names: c.1654G>C (NM_000297.3); short protein forms A552P.
Identifiers: ClinVar variation 1356754 (VCV001356754.11), dbSNP rs369908107, ClinGen allele CA3004011.

ClinVar aggregate classification (germline): Conflicting classifications of pathogenicity. Review status: criteria provided, conflicting classifications (1 of 4 stars). 5 submissions from 5 submitters: Uncertain significance (3); Likely benign (2). Last evaluated 2025-07-08.

Conditions:
Polycystic kidney disease 2 (PKD2). Also called: POLYCYSTIC KIDNEY DISEASE, ADULT, TYPE II; Polycystic Kidney Disease 2, Autosomal Dominant; POLYCYSTIC KIDNEY DISEASE 2 WITH OR WITHOUT POLYCYSTIC LIVER DISEASE. Identifiers: MedGen C2751306, MONDO:0013131, OMIM 613095.
Autosomal dominant polycystic kidney disease. Identifiers: Orphanet 730, MedGen C0085413, MONDO:0004691.

Allele frequency attached by ClinVar (database versions not stated): gnomAD 0.00005 and 0.00006; TOPMed 0.00005; ExAC 0.00006; gnomAD exomes 0.00007 and 0.00009; ESP Exome Variant Server 0.00008.
gnomAD v4.1: 133 of 1,604,780 alleles (0.0083%); highest among the groups gnomAD compares: Non-Finnish European, 0.011%; no homozygotes.

Submissions (5):

Labcorp Genetics (formerly Invitae), Labcorp
Classification: Uncertain significance for Autosomal dominant polycystic kidney disease. Last evaluated: 2025-07-08. Review status: criteria provided, single submitter. Criteria: Invitae Variant Classification Sherloc (09022015). Collection method: clinical testing. Allele origin: germline.
Comment: This sequence change replaces alanine, which is neutral and non-polar, with proline, which is neutral and non-polar, at codon 552 of the PKD2 protein (p.Ala552Pro). This variant is present in population databases (rs369908107, gnomAD 0.02%), and has an allele count higher than expected for a pathogenic variant. This variant has not been reported in the literature in individuals affected with PKD2-related conditions. ClinVar contains an entry for this variant (Variation ID: 1356754). Invitae Evidence Modeling of protein sequence and biophysical properties (such as structural, functional, and spatial information, amino acid conservation, physicochemical variation, residue mobility, and thermodynamic stability) indicates that this missense variant is expected to disrupt PKD2 protein function with a positive predictive value of 80%. In summary, the available evidence is currently insufficient to determine the role of this variant in disease. Therefore, it has been classified as a Variant of Uncertain Significance.

Women's Health and Genetics/Laboratory Corporation of America, LabCorp
Classification: Uncertain significance. Last evaluated: 2025-03-14. Review status: criteria provided, single submitter. Criteria: LabCorp Variant Classification Summary - May 2015. Collection method: clinical testing. Allele origin: germline.
Comment: Variant summary: PKD2 c.1654G>C (p.Ala552Pro) results in a non-conservative amino acid change in the encoded protein sequence. Five of five in-silico tools predict a damaging effect of the variant on protein function. The variant allele was found at a frequency of 8.3e-05 in 1604780 control chromosomes. This frequency is not significantly higher than estimated for a pathogenic variant in PKD2 causing Polycystic Kidney Disease 2 (8.3e-05 vs 0.00013), allowing no conclusion about variant significance. To our knowledge, no occurrence of c.1654G>C in individuals affected with Polycystic Kidney Disease 2 and no experimental evidence demonstrating its impact on protein function have been reported. ClinVar contains an entry for this variant (Variation ID: 1356754). Based on the evidence outlined above, the variant was classified as uncertain significance.

Athena Diagnostics
Classification: Likely benign. Last evaluated: 2025-01-27. Review status: criteria provided, single submitter. Criteria: Athena Diagnostics Criteria. Collection method: clinical testing. Allele origin: unknown.
Comment: The frequency of this variant in the general population is higher than would generally be expected for pathogenic variants in this gene. This variant has been seen where an alternate explanation for disease was also identified.

Fulgent Genetics
Classification: Uncertain significance for Polycystic kidney disease 2. Last evaluated: 2024-02-02. Review status: criteria provided, single submitter. Criteria: ACMG Guidelines, 2015. Collection method: clinical testing. Allele origin: germline.

Blueprint Genetics
Classification: Likely benign. Last evaluated: 2024-01-15. Review status: criteria provided, single submitter. Criteria: ACMG Guidelines, 2015. Collection method: clinical testing. Allele origin: germline.

Literature cited by the submitters: PubMed 30135240 (cited by Athena Diagnostics); PubMed 30369598 (cited by Athena Diagnostics).